The following is an entry in ClinVar:

ClinVar aggregate classification (germline): Uncertain significance (1 of 4 stars; one submission).

Conditions:
Autosomal recessive bestrophinopathy. Also called: Autosomal Recessive Bestrophinopathy (ARB). Identifiers: Orphanet 139455, MedGen C3888198, MONDO:0012733, OMIM 611809.

Submission:

Ophthalmology Department, Faculty of Medicine, Ain Shams University
Classification: Uncertain significance for Autosomal recessive bestrophinopathy. Review status: criteria provided, single submitter. Criteria: ACMG Guidelines, 2015. Collection method: clinical testing. Allele origin: germline. Affected: yes. Observed: 1 variant allele.

Literature cited by the submitters: PubMed 18179881.

NM_004183.4(BEST1):c.105G>C (p.Glu35Asp)

Gene: BEST1 (bestrophin 1; plus strand). Cytogenetic location: 11q12.3.
Variant type: single nucleotide variant.
Coding change: c.105G>C on transcript NM_004183.4 (MANE Select); coding-DNA position 105, G replaced by C.
Protein change: p.Glu35Asp; replaces glutamic acid 35 with aspartic acid.
Molecular consequence: missense variant. On other transcripts: non-coding transcript variant (1), intron variant (6).
Genome position (GRCh38, 1-based): chr11:61,951,911, G>C. VCF-style: chr11-61951911-G-C. GRCh37 (hg19) VCF-style: chr11-61719383-G-C.
Other names: c.105G>C, p.Glu35Asp (NM_001363592.2, NM_001440571.1, NM_001440572.1 and 1 more transcripts); c.-29+1484G>C (NM_001139443.3, NM_001300787.2, NM_001440574.1 and 3 more transcripts); short protein forms E35D.
Identifiers: ClinVar variation 1695423 (VCV001695423.2), dbSNP rs2134409890, ClinGen allele CA380831794.